The following is an entry in ClinVar:

ClinVar aggregate classification (germline): Uncertain significance. Review status: criteria provided, multiple submitters, no conflicts (2 of 4 stars). 2 submissions from 2 submitters: Uncertain significance (2). Last evaluated 2023-11-03.

Conditions:
Myofibrillar myopathy 4. Also called: Zaspopathy (type). Identifiers: Orphanet 98912, MedGen C4721886, MONDO:0012277, OMIM 609452.

Submissions (2):

Women's Health and Genetics/Laboratory Corporation of America, LabCorp
Classification: Uncertain significance. Last evaluated: 2023-11-03. Review status: criteria provided, single submitter. Criteria: LabCorp Variant Classification Summary - May 2015. Collection method: clinical testing. Allele origin: germline.
Comment: Variant summary: LDB3 c.1387C>T (p.Pro463Ser) results in a non-conservative amino acid change in the encoded protein sequence. Three of five in-silico tools predict a benign effect of the variant on protein function. The variant was absent in 247822 control chromosomes (gnomAD). The available data on variant occurrences in the general population are insufficient to allow any conclusion about variant significance. To our knowledge, no occurrence of c.1387C>T in individuals affected with Cardiomyopathy and no experimental evidence demonstrating its impact on protein function have been reported. No submitters have cited clinical-significance assessments for this variant to ClinVar after 2014. Based on the evidence outlined above, the variant was classified as uncertain significance.

Labcorp Genetics (formerly Invitae), Labcorp
Classification: Uncertain significance for Myofibrillar myopathy 4. Last evaluated: 2023-07-10. Review status: criteria provided, single submitter. Criteria: Invitae Variant Classification Sherloc (09022015). Collection method: clinical testing. Allele origin: germline.
Comment: The LDB3 gene has multiple clinically relevant transcripts. This variant occurs in alternate transcript NM_007078.3, and corresponds to NM_001080116.1:c.*17108C>T in the primary transcript. This sequence change replaces proline, which is neutral and non-polar, with serine, which is neutral and polar, at codon 463 of the LDB3 protein (p.Pro463Ser). This variant is not present in population databases (gnomAD no frequency). This variant has not been reported in the literature in individuals affected with LDB3-related conditions. Experimental studies and prediction algorithms are not available or were not evaluated, and the functional significance of this variant is currently unknown. In summary, the available evidence is currently insufficient to determine the role of this variant in disease. Therefore, it has been classified as a Variant of Uncertain Significance.

NM_007078.3(LDB3):c.1387C>T (p.Pro463Ser)

Gene: LDB3 (LIM domain binding 3; plus strand). Cytogenetic location: 10q23.2.
Variant type: single nucleotide variant.
Coding change: c.1387C>T on transcript NM_007078.3 (MANE Select); coding-DNA position 1387, C replaced by T.
Protein change: p.Pro463Ser; replaces proline 463 with serine.
Molecular consequence: missense variant.
Genome position (GRCh38, 1-based): chr10:86,716,482, C>T. VCF-style: chr10-86716482-C-T. GRCh37 (hg19) VCF-style: chr10-88476239-C-T.
Other names: c.1057C>T, p.Pro353Ser (NM_001080114.2); c.1402C>T, p.Pro468Ser (NM_001171610.2); c.1198C>T, p.Pro400Ser (NM_001368064.1, NM_001368065.1); c.1246C>T, p.Pro416Ser (NM_001368066.1); short protein forms P353S, P400S, P416S, P463S, P468S.
Identifiers: ClinVar variation 2682311 (VCV002682311.4), dbSNP rs2492808907, ClinGen allele CA377450326.